The following is an entry in ClinVar:

NM_001042492.3(NF1):c.5380G>A (p.Val1794Ile)

Gene: NF1 (neurofibromin 1; plus strand). Cytogenetic location: 17q11.2.
Variant type: single nucleotide variant.
Coding change: c.5380G>A on transcript NM_001042492.3 (MANE Select); coding-DNA position 5380, G replaced by A.
Protein change: p.Val1794Ile; replaces valine 1794 with isoleucine.
Molecular consequence: missense variant.
Genome position (GRCh38, 1-based): chr17:31,327,610, G>A. VCF-style: chr17-31327610-G-A. GRCh37 (hg19) VCF-style: chr17-29654628-G-A.
Other names: c.5317G>A, p.Val1773Ile (NM_000267.4); short protein forms V1794I, V1773I.
Identifiers: ClinVar variation 484039 (VCV000484039.16), dbSNP rs1555533574, ClinGen allele CA399009307.

ClinVar aggregate classification (germline): Uncertain significance. Review status: criteria provided, multiple submitters, no conflicts (2 of 4 stars). 6 submissions from 6 submitters: Uncertain significance (6). Last evaluated 2025-11-30.

Conditions:
Cardiovascular phenotype. Identifiers: MedGen CN230736.
Hereditary cancer-predisposing syndrome. Also called: Hereditary neoplastic syndrome; Neoplastic Syndromes, Hereditary; Tumor predisposition; Hereditary Cancer Syndrome. Identifiers: Orphanet 140162, MedGen C0027672, MeSH D009386, MONDO:0015356.
Neurofibromatosis, type 1 (NF1). Also called: VON RECKLINGHAUSEN DISEASE; Peripheral type neurofibromatosis; NEUROFIBROMATOSIS, TYPE I, SOMATIC; Neurofibromatosis, type I. Identifiers: Orphanet 636, MedGen C0027831, MONDO:0018975, OMIM 162200. Disease mechanism: loss of function.

Allele frequency attached by ClinVar (database versions not stated): TOPMed below 0.00001.

Submissions (6):

Labcorp Genetics (formerly Invitae), Labcorp
Classification: Uncertain significance for Neurofibromatosis, type 1. Last evaluated: 2025-11-30. Review status: criteria provided, single submitter. Criteria: Invitae Variant Classification Sherloc (09022015). Collection method: clinical testing. Allele origin: germline.
Comment: This sequence change replaces valine, which is neutral and non-polar, with isoleucine, which is neutral and non-polar, at codon 1773 of the NF1 protein (p.Val1773Ile). This variant is not present in population databases (gnomAD no frequency). This variant has not been reported in the literature in individuals affected with NF1-related conditions. ClinVar contains an entry for this variant (Variation ID: 484039). Invitae Evidence Modeling of protein sequence and biophysical properties (such as structural, functional, and spatial information, amino acid conservation, physicochemical variation, residue mobility, and thermodynamic stability) has been performed for this missense variant. However, the output from this modeling did not meet the statistical confidence thresholds required to predict the impact of this variant on NF1 protein function. In summary, the available evidence is currently insufficient to determine the role of this variant in disease. Therefore, it has been classified as a Variant of Uncertain Significance.

Ambry Genetics
Classification: Uncertain significance for Cardiovascular phenotype; Hereditary cancer-predisposing syndrome. Last evaluated: 2025-08-21. Review status: criteria provided, single submitter. Criteria: Ambry Variant Classification Scheme 2023. Collection method: clinical testing. Allele origin: germline.
Comment: The p.V1773I variant (also known as c.5317G>A), located in coding exon 37 of the NF1 gene, results from a G to A substitution at nucleotide position 5317. The valine at codon 1773 is replaced by isoleucine, an amino acid with highly similar properties. This amino acid position is highly conserved in available vertebrate species. In addition, the in silico prediction for this alteration is inconclusive. Based on the available evidence, the clinical significance of this variant remains unclear.

Quest Diagnostics Nichols Institute San Juan Capistrano
Classification: Uncertain significance. Last evaluated: 2025-08-05. Review status: criteria provided, single submitter. Criteria: Quest Diagnostics criteria. Collection method: clinical testing. Allele origin: unknown.

Genome-Nilou Lab
Classification: Uncertain significance for Neurofibromatosis, type 1. Last evaluated: 2022-03-15. Review status: criteria provided, single submitter. Criteria: ACMG Guidelines, 2015. Collection method: clinical testing. Allele origin: germline. Affected: no.

Sema4
Classification: Uncertain significance for Hereditary cancer-predisposing syndrome. Last evaluated: 2021-10-04. Review status: criteria provided, single submitter. Criteria: Sema4 Curation Guidelines. Collection method: curation. Allele origin: germline.
Comment: The NF1 c.5317G>A (p.V1773I) variant has not been reported in the literature to our knowledge. It was not observed in the large and broad cohorts of the Genome Aggregation Database, but has been reported in ClinVar (Variation ID: 484039). Functional studies have not been performed, and in silico predictions of the variant's effect on protein function are inconclusive. The evidence is insufficient to meet ACMG/AMP criteria for classifying the variant as benign or pathogenic. Thus, the clinical significance of this variant is currently uncertain.

GeneDx
Classification: Uncertain significance. Last evaluated: 2019-12-30. Review status: criteria provided, single submitter. Criteria: GeneDx Variant Classification Process June 2021. Collection method: clinical testing. Allele origin: germline. Affected: yes.
Comment: Not observed in large population cohorts (Lek et al., 2016); In silico analysis, which includes protein predictors and evolutionary conservation, supports that this variant does not alter protein structure/function; Has not been previously published as pathogenic or benign to our knowledge